The following is an entry in ClinVar:

NM_000492.4(CFTR):c.3525_3537del (p.Thr1176fs)

Genes: CFTR (CF transmembrane conductance regulator; plus strand), CFTR-AS2 (CFTR antisense RNA 2; minus strand). Cytogenetic location: 7q31.2.
Variant type: Deletion.
Coding change: c.3525_3537del on transcript NM_000492.4 (MANE Select); coding-DNA positions 3525 to 3537, 13 bases deleted (TACCAAGTCAACC).
Protein change: p.Thr1176fs; shifts the reading frame from threonine 1176.
Molecular consequence: frameshift variant.
Genome position (GRCh38, 1-based): chr7:117,627,578-117,627,590, TACCAAGTCAACC deleted; deleting any 13 consecutive bases within chr7:117,627,574-117,627,590 gives the same sequence; the c. name uses the placement nearest the transcript's 3' end. VCF-style (leftmost placement, unchanged base first): chr7-117627573-AAACCTACCAAGTC-A. GRCh37 (hg19) VCF-style: chr7-117267627-AAACCTACCAAGTC-A.
Other names: short protein forms T1176fs.
Identifiers: ClinVar variation 1706009 (VCV001706009.1), dbSNP rs2485146192, ClinGen allele CA2580076327.

ClinVar aggregate classification (germline): Pathogenic (1 of 4 stars; one submission).

Conditions:
Cystic fibrosis (CF). Also called: MUCOVISCIDOSIS. Identifiers: Orphanet 586, MedGen C0010674, MONDO:0009061, OMIM 219700. Disease mechanism: loss of function.

Submission:

Institute of Human Genetics, University of Leipzig Medical Center
Classification: Pathogenic for Cystic fibrosis. Last evaluated: 2022-09-05. Review status: criteria provided, single submitter. Criteria: ACMG Guidelines, 2015. Collection method: curation. Allele origin: unknown. Affected: yes. Observed: 2 variant alleles.
Comment: This variant was identified in 2 unrelated patients with a clinically confirmed diagnosis of cystic fibrosis. The variant was classified in the context of a project re-classifying variants in the German Cystic Fibrosis Registry (Muko.e.V.). Criteria applied: PVS1, PM3_SUP, PM2_SUP, PP4